The following is an entry in ClinVar:

ClinVar aggregate classification (germline): Uncertain significance. Review status: criteria provided, multiple submitters, no conflicts (2 of 4 stars). 2 submissions from 2 submitters: Uncertain significance (2). Last evaluated 2026-03-19.

Submissions (2):

Dasa
Classification: Uncertain significance. Last evaluated: 2026-03-19. Review status: criteria provided, single submitter. Criteria: DASA Assertion Criteria. Collection method: clinical testing. Allele origin: germline.
Comment: NM_001394372.1(BICRA):c.1859C>A (p.Thr620Lys) is a missense variant that results in the substitution of threonine with lysine. This variant is rare in population databases. Computational prediction algorithms are consistent with a benign effect. The currently available literature and clinical evidence are not sufficient to establish a definitive association between this variant and the reported condition. Therefore, this variant is classified as a variant of uncertain significance.

Ambry Genetics
Classification: Uncertain significance. Last evaluated: 2022-10-26. Review status: criteria provided, single submitter. Criteria: Ambry Variant Classification Scheme 2023. Collection method: clinical testing. Allele origin: germline.

NM_001394372.1(BICRA):c.1859C>A (p.Thr620Lys)

Gene: BICRA (BRD4 interacting chromatin remodeling complex associated protein; plus strand). Cytogenetic location: 19q13.33.
Variant type: single nucleotide variant.
Coding change: c.1859C>A on transcript NM_001394372.1 (MANE Select); coding-DNA position 1859, C replaced by A.
Protein change: p.Thr620Lys; replaces threonine 620 with lysine.
Molecular consequence: missense variant.
Genome position (GRCh38, 1-based): chr19:47,681,029, C>A. VCF-style: chr19-47681029-C-A. GRCh37 (hg19) VCF-style: chr19-48184286-C-A.
Other names: c.1859C>A, p.Thr620Lys (NM_015711.3); short protein forms T620K.
Identifiers: ClinVar variation 3133877 (VCV003133877.3), dbSNP rs1973043233, ClinGen allele CA406616137.
Genomic context (GRCh38, chr19:47,681,029, plus strand): 5'-ACGGCCTGGTGCAGCCGGCCACCCCTGCCGCTGCCACCGGGGAGGCCGCGCCTGTCCTCA[C>A]GGTGCAGCCTGCCCCCCAGGCGCCCCCCGCGGTCAGCACACCCCTGCCCCTGGGCCTCCA-3'
Protein context (NP_001381301.1, residues 610-630): AATGEAAPVL[Thr620Lys]VQPAPQAPPA